The following is an entry in ClinVar:

ClinVar aggregate classification (germline): Uncertain significance (1 of 4 stars; one submission).

gnomAD v4.1: 51 of 1,613,758 alleles (0.0032%); highest among the groups gnomAD compares: Non-Finnish European, 0.0042%; no homozygotes.

Submission:

Women's Health and Genetics/Laboratory Corporation of America, LabCorp
Classification: Uncertain significance. Last evaluated: 2025-04-15. Review status: criteria provided, single submitter. Criteria: LabCorp Variant Classification Summary - May 2015. Collection method: clinical testing. Allele origin: germline.
Comment: Variant summary: SPINK1 c.*17A>G is located in the untranslated mRNA region downstream of the termination codon. The variant allele was found at a frequency of 8e-06 in 250804 control chromosomes. The available data on variant occurrences in the general population are insufficient to allow any conclusion about variant significance. To our knowledge, no occurrence of c.*17A>G in individuals affected with Chronic Pancreatitis and no experimental evidence demonstrating its impact on protein function have been reported. No submitters have cited clinical-significance assessments for this variant to ClinVar. Based on the evidence outlined above, the variant was classified as uncertain significance.

NM_001379610.1(SPINK1):c.*17A>G

Gene: SPINK1 (serine peptidase inhibitor Kazal type 1; minus strand). Cytogenetic location: 5q32.
Variant type: single nucleotide variant.
Coding change: c.*17A>G on transcript NM_001379610.1 (MANE Select); 17 bases downstream of the stop codon, A replaced by G.
Molecular consequence: 3 prime UTR variant.
Genome position (GRCh38, 1-based): chr5:147,824,644, T>C on the plus strand (A>G on the coding strand, the complement: SPINK1 is on the minus strand). VCF-style: chr5-147824644-T-C. GRCh37 (hg19) VCF-style: chr5-147204207-T-C.
Other names: c.*17A>G (NM_001354966.2, NM_003122.5).
Identifiers: ClinVar variation 3896265 (VCV003896265.2).